The following is an entry in ClinVar:

NM_001375380.1(EBF3):c.730G>A (p.Ala244Thr)

Gene: EBF3 (EBF transcription factor 3; minus strand). Cytogenetic location: 10q26.3.
Variant type: single nucleotide variant.
Coding change: c.730G>A on transcript NM_001375380.1 (MANE Select); coding-DNA position 730, G replaced by A.
Protein change: p.Ala244Thr; replaces alanine 244 with threonine.
Molecular consequence: missense variant.
Genome position (GRCh38, 1-based): chr10:129,873,503, C>T on the plus strand (G>A on the coding strand, the complement: EBF3 is on the minus strand). VCF-style: chr10-129873503-C-T. GRCh37 (hg19) VCF-style: chr10-131671767-C-T.
Other names: c.730G>A, p.Ala244Thr (NM_001005463.3, NM_001375379.1, NM_001375389.1 and 3 more transcripts); short protein forms A244T.
Identifiers: ClinVar variation 1806753 (VCV001806753.1), dbSNP rs530444182, ClinGen allele CA378909682.

ClinVar aggregate classification (germline): Uncertain significance (1 of 4 stars; one submission).

Submission:

GeneDx
Classification: Uncertain significance. Last evaluated: 2022-06-20. Review status: criteria provided, single submitter. Criteria: GeneDx Variant Classification Process June 2021. Collection method: clinical testing. Allele origin: germline. Affected: yes.
Comment: Not observed at significant frequency in large population cohorts (gnomAD); In silico analysis supports that this missense variant has a deleterious effect on protein structure/function; Has not been previously published as pathogenic or benign to our knowledge